The following is an entry in ClinVar:

NM_006005.3(WFS1):c.1453G>A (p.Gly485Ser)

Gene: WFS1 (wolframin ER transmembrane glycoprotein; plus strand). Cytogenetic location: 4p16.1.
Variant type: single nucleotide variant.
Coding change: c.1453G>A on transcript NM_006005.3 (MANE Select); coding-DNA position 1453, G replaced by A.
Protein change: p.Gly485Ser; replaces glycine 485 with serine.
Molecular consequence: missense variant.
Genome position (GRCh38, 1-based): chr4:6,301,248, G>A. VCF-style: chr4-6301248-G-A. GRCh37 (hg19) VCF-style: chr4-6302975-G-A.
Other names: c.1453G>A, p.Gly485Ser (NM_001145853.1); short protein forms G485S.
Identifiers: ClinVar variation 1348558 (VCV001348558.6), dbSNP rs1361513213, ClinGen allele CA356175018.

ClinVar aggregate classification (germline): Uncertain significance (1 of 4 stars; one submission).

gnomAD v4.1: 4 of 1,611,450 alleles (0.00025%); highest among the groups gnomAD compares: Non-Finnish European, 0.00034%; no homozygotes.

Submission:

Labcorp Genetics (formerly Invitae), Labcorp
Classification: Uncertain significance. Last evaluated: 2022-02-01. Review status: criteria provided, single submitter. Criteria: Invitae Variant Classification Sherloc (09022015). Collection method: clinical testing. Allele origin: germline.
Comment: In summary, the available evidence is currently insufficient to determine the role of this variant in disease. Therefore, it has been classified as a Variant of Uncertain Significance. Advanced modeling of protein sequence and biophysical properties (such as structural, functional, and spatial information, amino acid conservation, physicochemical variation, residue mobility, and thermodynamic stability) performed at Invitae indicates that this missense variant is not expected to disrupt WFS1 protein function. This variant has not been reported in the literature in individuals affected with WFS1-related conditions. This variant is not present in population databases (gnomAD no frequency). This sequence change replaces glycine, which is neutral and non-polar, with serine, which is neutral and polar, at codon 485 of the WFS1 protein (p.Gly485Ser).